The following is an entry in ClinVar:

ClinVar aggregate classification (germline): Likely benign. Review status: criteria provided, multiple submitters, no conflicts (2 of 4 stars). 8 submissions from 8 submitters: Likely benign (8). Last evaluated 2025-10-09.

Conditions:
Diabetic retinopathy. Identifiers: MedGen C0011884, MONDO:0005266.
Familial thoracic aortic aneurysm and aortic dissection (TAAD). Also called: Thoracic aortic aneurysms and dissections. Identifiers: Orphanet 91387, MedGen C4707243, MONDO:0019625.
Loeys-Dietz syndrome 2 (LDS2). Also called: TGFBR2-Related Loeys-Dietz Syndrome; Marfan syndrome, type 2 (formerly); AORTIC ANEURYSM, FAMILIAL THORACIC 3; MARFAN SYNDROME, TYPE II; Marfan Syndrome type 2; Marfan like connective tissue disorder. Identifiers: Orphanet 284973, Orphanet 558, MedGen C2674574, MONDO:0012427, OMIM 610168.

Allele frequency attached by ClinVar (database versions not stated): ExAC below 0.00001; gnomAD exomes 0.00003.
gnomAD v4.1: 48 of 1,600,440 alleles (0.003%); highest among the groups gnomAD compares: Non-Finnish European, 0.0036%; no homozygotes.

Submissions (8):

Labcorp Genetics (formerly Invitae), Labcorp
Classification: Likely benign for Familial thoracic aortic aneurysm and aortic dissection. Last evaluated: 2025-10-09. Review status: criteria provided, single submitter. Criteria: Invitae Variant Classification Sherloc (09022015). Collection method: clinical testing. Allele origin: germline.

Ambry Genetics
Classification: Likely benign for Familial thoracic aortic aneurysm and aortic dissection. Last evaluated: 2025-06-28. Review status: criteria provided, single submitter. Criteria: Ambry Variant Classification Scheme 2023. Collection method: clinical testing. Allele origin: germline.

All of Us Research Program, National Institutes of Health
Classification: Likely benign for Loeys-Dietz syndrome 2. Last evaluated: 2023-08-15. Review status: criteria provided, single submitter. Criteria: ACMG Guidelines, 2015. Collection method: clinical testing. Allele origin: germline. Inheritance: Autosomal dominant inheritance. Observed: 2 variant alleles, 2 heterozygotes.
Comment: This study involves interpretation of variants in research participants for the purpose of population health screening. Participant phenotype was not available at the time of variant classification. Additional details can be found in publication PMID: 35346344, PMCID: PMC8962531

Women's Health and Genetics/Laboratory Corporation of America, LabCorp
Classification: Likely benign. Last evaluated: 2023-02-05. Review status: criteria provided, single submitter. Criteria: LabCorp Variant Classification Summary - May 2015. Collection method: clinical testing. Allele origin: germline.

Color Diagnostics, LLC DBA Color Health
Classification: Likely benign for Familial thoracic aortic aneurysm and aortic dissection. Last evaluated: 2022-11-06. Review status: criteria provided, single submitter. Criteria: ACMG Guidelines, 2015. Collection method: clinical testing. Allele origin: germline.

CHEO Genetics Diagnostic Laboratory, Children's Hospital of Eastern Ontario
Classification: Likely benign for Familial thoracic aortic aneurysm and aortic dissection. Last evaluated: 2021-07-21. Review status: criteria provided, single submitter. Criteria: ACMG Guidelines, 2015. Collection method: clinical testing. Allele origin: germline.

Blueprint Genetics
Classification: Likely benign. Last evaluated: 2021-06-11. Review status: criteria provided, single submitter. Criteria: ACMG Guidelines, 2015. Collection method: clinical testing. Allele origin: germline.

Clinical Genomics, Uppaluri K&H Personalized Medicine Clinic
Classification: Likely benign for Diabetic retinopathy. Review status: criteria provided, single submitter. Criteria: K And H Uppaluri Personalized Medicine Clinic Variant Classification And Assertion Criteria Updated V 2. Collection method: research. Allele origin: unknown.
Comment: Potent mutations in TGFBR2 gene encodes the transforming growth factor that have been associated with angiogenesis and diabetic retinopathy. More clinical studies are needed for stronger association. However, more evidence is required to confer the association of this particular variant rs753781287 with diabetic retinopathy.

Literature cited by the submitters: PubMed 30222965 (cited by Clinical Genomics, Uppaluri K&H Personalized Medicine Clinic); PubMed 28162229 (cited by Clinical Genomics, Uppaluri K&H Personalized Medicine Clinic); PubMed 34572573 (cited by Clinical Genomics, Uppaluri K&H Personalized Medicine Clinic).

NM_003242.6(TGFBR2):c.78G>A (p.Pro26=)

Gene: TGFBR2 (transforming growth factor beta receptor 2; plus strand). Cytogenetic location: 3p24.1.
Variant type: single nucleotide variant.
Coding change: c.78G>A on transcript NM_003242.6 (MANE Select); coding-DNA position 78, G replaced by A.
Protein change: p.Pro26=; no amino-acid change (proline 26 retained).
Molecular consequence: synonymous variant. On other transcripts: 5 prime UTR variant (4), intron variant (2).
Genome position (GRCh38, 1-based): chr3:30,606,961, G>A. VCF-style: chr3-30606961-G-A. GRCh37 (hg19) VCF-style: chr3-30648453-G-A.
Other names: c.78G>A, p.Pro26= (NM_001024847.3, NM_001407126.1, NM_001407127.1 and 4 more transcripts); c.-206G>A (NM_001407133.1); c.-84G>A (NM_001407134.1); c.-131G>A (NM_001407135.1); c.-216G>A (NM_001407136.1); c.-12+368G>A (NM_001407129.1, NM_001407132.1).
Identifiers: ClinVar variation 731946 (VCV000731946.18), dbSNP rs753781287, ClinGen allele CA049897.